The following is an entry in ClinVar:

ClinVar aggregate classification (germline): Pathogenic (3 of 4 stars; one submission).

Conditions:
Breast-ovarian cancer, familial, susceptibility to, 2 (BROVCA2). Also called: BRCA2 Hereditary Breast and Ovarian Cancer. Identifiers: Orphanet 145, MedGen C2675520, MONDO:0012933, OMIM 612555. Disease mechanism: loss of function.

Submission:

Evidence-based Network for the Interpretation of Germline Mutant Alleles (ENIGMA)
Classification: Pathogenic for Breast-ovarian cancer, familial, susceptibility to, 2. Last evaluated: 2017-12-15. Review status: reviewed by expert panel. Criteria: ENIGMA BRCA1/2 Classification Criteria (2017-06-29). Collection method: curation. Allele origin: germline. Study: ENIGMA.
Comment: Variant allele predicted to encode a truncated non-functional protein.

NM_000059.4(BRCA2):c.2832_2833insTT (p.Lys945fs)

Gene: BRCA2 (BRCA2 DNA repair associated; plus strand). Cytogenetic location: 13q13.1.
Variant type: Insertion.
Coding change: c.2832_2833insTT on transcript NM_000059.4 (MANE Select); coding-DNA positions 2832 to 2833, TT inserted.
Protein change: p.Lys945fs; shifts the reading frame from lysine 945.
Molecular consequence: frameshift variant.
Genome position: GRCh38 VCF-style: chr13-32337187-A-ATT. GRCh37 (hg19) VCF-style: chr13-32911324-A-ATT.
Other names: short protein forms K945fs.
Identifiers: ClinVar variation 548340 (VCV000548340.1), dbSNP rs1555282889, ClinGen allele CA658823639.